The following is an entry in ClinVar:

ClinVar aggregate classification (germline): Uncertain significance (1 of 4 stars; one submission).

Conditions:
Oto-palato-digital syndrome, type II (OPD2). Also called: FACIOPALATOOSSEOUS SYNDROME; OPD II SYNDROME; Otopalatodigital Syndrome, Type II; Otopalatodigital Syndrome Type 2 (FLNA-OPD2). Identifiers: Orphanet 669, Orphanet 90652, MedGen C1844696, MONDO:0010571, OMIM 304120.
Heterotopia, periventricular, X-linked dominant (PVNH1). Also called: PERIVENTRICULAR NODULAR HETEROTOPIA 4; HETEROTOPIA, PERIVENTRICULAR, 1; PERIVENTRICULAR NODULAR HETEROTOPIA 1; X-linked periventricular heterotopia. Identifiers: Orphanet 2149, Orphanet 82004, MedGen C1848213, MONDO:0010233, OMIM 300049.
Melnick-Needles syndrome (MNS). Also called: MELNICK-NEEDLES OSTEODYSPLASTY; OSTEODYSPLASTY OF MELNICK AND NEEDLES; Melnick-Needles Syndrome (FLNA-MNS). Identifiers: Orphanet 2484, MedGen C0025237, MONDO:0010650, OMIM 309350.
Frontometaphyseal dysplasia (FMD1). Identifiers: Orphanet 1826, MedGen C0265293, MONDO:0015942.

Submission:

Labcorp Genetics (formerly Invitae), Labcorp
Classification: Uncertain significance for Oto-palato-digital syndrome, type II; Heterotopia, periventricular, X-linked dominant; Frontometaphyseal dysplasia; Melnick-Needles syndrome. Last evaluated: 2022-08-16. Review status: criteria provided, single submitter. Criteria: Invitae Variant Classification Sherloc (09022015). Collection method: clinical testing. Allele origin: germline.
Comment: In summary, the available evidence is currently insufficient to determine the role of this variant in disease. Therefore, it has been classified as a Variant of Uncertain Significance. Advanced modeling of protein sequence and biophysical properties (such as structural, functional, and spatial information, amino acid conservation, physicochemical variation, residue mobility, and thermodynamic stability) performed at Invitae indicates that this missense variant is not expected to disrupt FLNA protein function. ClinVar contains an entry for this variant (Variation ID: 1479256). This variant has not been reported in the literature in individuals affected with FLNA-related conditions. This variant is not present in population databases (gnomAD no frequency). This sequence change replaces cysteine, which is neutral and slightly polar, with glycine, which is neutral and non-polar, at codon 2099 of the FLNA protein (p.Cys2099Gly).

NM_001110556.2(FLNA):c.6319T>G (p.Cys2107Gly)

Gene: FLNA (filamin A; minus strand). Cytogenetic location: Xq28.
Variant type: single nucleotide variant.
Coding change: c.6319T>G on transcript NM_001110556.2 (MANE Select); coding-DNA position 6319, T replaced by G.
Protein change: p.Cys2107Gly; replaces cysteine 2107 with glycine.
Molecular consequence: missense variant.
Genome position (GRCh38, 1-based): chrX:154,352,832, A>C on the plus strand (T>G on the coding strand, the complement: FLNA is on the minus strand). VCF-style: chrX-154352832-A-C. GRCh37 (hg19) VCF-style: chrX-153581200-A-C.
Other names: c.6295T>G, p.Cys2099Gly (NM_001456.4); short protein forms C2099G, C2107G.
Identifiers: ClinVar variation 1479256 (VCV001479256.6), dbSNP rs1557176055, ClinGen allele CA415193610.